The following continues an entry in ClinVar:

NM_000051.4(ATM):c.5793T>C (p.Ala1931=)

ClinVar aggregate classification (germline): Benign/Likely benign. Benign (13); Likely benign (5).

Submissions 22 to 29 of 29:

True Health Diagnostics
Classification: Likely benign for Hereditary cancer-predisposing syndrome. Last evaluated: 2018-02-20. Review status: no assertion criteria provided. Collection method: clinical testing. Allele origin: germline. Not counted in ClinVar's aggregate classification.

Clinical Genetics Laboratory, Department of Pathology, Netherlands Cancer Institute
Classification: Likely benign. Review status: no assertion criteria provided. Collection method: clinical testing. Allele origin: germline. Affected: yes. Study: VKGL Data-share Consensus. Not counted in ClinVar's aggregate classification.

Clinical Genetics, Academic Medical Center
Classification: Likely benign. Review status: no assertion criteria provided. Collection method: clinical testing. Allele origin: germline. Affected: yes. Study: VKGL Data-share Consensus. Not counted in ClinVar's aggregate classification.

Department of Pathology and Laboratory Medicine, Sinai Health System
Classification: Benign for Malignant tumor of breast. Review status: no assertion criteria provided. Collection method: clinical testing. Allele origin: unknown. Affected: yes. Observed: 1 variant allele. Study: The Canadian Open Genetics Repository (COGR). Not counted in ClinVar's aggregate classification.
Comment: The ATM p.Ala1931= variant was identified in 3 of 572 proband chromosomes (frequency: 0.005) from North American caucasian and American Indian individuals or families with Non-Hodgkinâ€šÃ„Ã´s Lymphoma, or undisclosed cancer; and was present in 1 of 186 control chromosomes (frequency: 0.005) from healthy individuals (Sipahimalani 2007, Petereit 2013, Thorstenson 2001). Thorstenson et al (2001) showed that ATM shows overall low sequence diversity, when compared across 7 major human populations. The variant was also identified in dbSNP (ID: rs3092910) â€šÃ„ÃºWith other alleleâ€šÃ„Ã¹, ClinVar (classified as benign by Invitae, GeneDx, EGL Genetic Diagnostics (Eurofins Clinical Diagnostics), Color Genomics Inc; and likely benign by Ambry Genetics, Prevention Genetics, Praxis fuer Humangenetik Tuebingen, Lab. for Molecular Medicine Partners HealthCare Personalized Medicine, and Genetic Services Laboratory (U of Chicago)), Clinvitae (5x), and was not identified in Genesight-COGR, Cosmic, MutDB, LOVD 3.0, and ATM-LOVD. The variant was identified in control databases in 1400 (6 homozygous) of 276860 chromosomes at a frequency of 0.005 increasing the likelihood this could be a low frequency benign variant (Genome Aggregation Consortium Feb 27, 2017), being identified in the following populations: African in 191 (1 homozygous) of 24012 chromosomes (frequency: 008), Other in 27 of 6450 chromosomes (frequency: 004), Latino in 45 of 34376 chromosomes (frequency: 001), European Non-Finnish in 828 (3 homozygous) of 126508 chromosomes (frequency: 007), Ashkenazi Jewish in 31 of 10146 chromosomes (frequency: 003), East Asian in 213 (2 homozygous) of 18848 chromosomes (frequency: 01), European Finnish in 20 of 25750 chromosomes (frequency: 0008), and South Asian in 45 of 30770 chromosomes (frequency: 001). The p.Ala1931= variant is not expected to have clinical significance because it does not result in a change of amino acid and is not located in a known consensus splice site. In addition, in silico or computational prediction software programs (SpliceSiteFinder, MaxEntScan, NNSPLICE, GeneSplicer, HumanSpliceFinder) do not predict a difference in splicing. In summary, based on the above information this variant meets our laboratory's criteria to be classified as benign.

Genetic Services Laboratory, University of Chicago
Classification: Likely benign for AllHighlyPenetrant. Review status: no assertion criteria provided. Collection method: clinical testing. Allele origin: germline. Inheritance: Autosomal recessive inheritance. Not counted in ClinVar's aggregate classification.
Comment: Likely benign based on allele frequency in 1000 Genomes Project or ESP global frequency and its presence in a patient with a rare or unrelated disease phenotype. NOT Sanger confirmed.

Genome Diagnostics Laboratory, Amsterdam University Medical Center
Classification: Benign. Review status: no assertion criteria provided. Collection method: clinical testing. Allele origin: germline. Affected: yes. Study: VKGL Data-share Consensus. Not counted in ClinVar's aggregate classification.

Joint Genome Diagnostic Labs from Nijmegen and Maastricht, Radboudumc and MUMC+
Classification: Likely benign. Review status: no assertion criteria provided. Collection method: clinical testing. Allele origin: germline. Affected: yes. Study: VKGL Data-share Consensus. Not counted in ClinVar's aggregate classification.

Laboratory of Diagnostic Genome Analysis, Leiden University Medical Center (LUMC)
Classification: Likely benign. Review status: no assertion criteria provided. Collection method: clinical testing. Allele origin: germline. Affected: yes. Study: VKGL Data-share Consensus. Not counted in ClinVar's aggregate classification.

Literature cited by the submitters: PubMed 15039971 (cited by Athena Diagnostics and Quest Diagnostics Nichols Institute San Juan Capistrano); PubMed 11849780 (cited by Athena Diagnostics and Quest Diagnostics Nichols Institute San Juan Capistrano); PubMed 12815592 (cited by Athena Diagnostics and Quest Diagnostics Nichols Institute San Juan Capistrano); PubMed 10738255 (cited by Athena Diagnostics and Quest Diagnostics Nichols Institute San Juan Capistrano); PubMed 10817650 (cited by Athena Diagnostics and Quest Diagnostics Nichols Institute San Juan Capistrano); PubMed 11443540 (cited by Athena Diagnostics and Quest Diagnostics Nichols Institute San Juan Capistrano); PubMed 12697903 (cited by Athena Diagnostics and Quest Diagnostics Nichols Institute San Juan Capistrano); PubMed 16167060 (cited by Athena Diagnostics and Quest Diagnostics Nichols Institute San Juan Capistrano); PubMed 24416720 (cited by 3 submitters); PubMed 23091097 (cited by Athena Diagnostics and Quest Diagnostics Nichols Institute San Juan Capistrano); PubMed 17333338 (cited by Athena Diagnostics and Quest Diagnostics Nichols Institute San Juan Capistrano); PubMed 16914028 (cited by 3 submitters); PubMed 11505391 (cited by Athena Diagnostics and Quest Diagnostics Nichols Institute San Juan Capistrano); PubMed 19347964 (cited by Athena Diagnostics and Quest Diagnostics Nichols Institute San Juan Capistrano); PubMed 17517479 (cited by Athena Diagnostics and Quest Diagnostics Nichols Institute San Juan Capistrano); PubMed 10425038 (cited by Athena Diagnostics and Quest Diagnostics Nichols Institute San Juan Capistrano); PubMed 15880721 (cited by Athena Diagnostics and Quest Diagnostics Nichols Institute San Juan Capistrano).